The following is an entry in ClinVar:

NM_014989.7(RIMS1):c.436C>T (p.Arg146Cys)

Gene: RIMS1 (regulating synaptic membrane exocytosis 1; plus strand). Cytogenetic location: 6q13.
Variant type: single nucleotide variant.
Coding change: c.436C>T on transcript NM_014989.7 (MANE Select); coding-DNA position 436, C replaced by T.
Protein change: p.Arg146Cys; replaces arginine 146 with cysteine.
Molecular consequence: missense variant.
Genome position (GRCh38, 1-based): chr6:72,097,139, C>T. VCF-style: chr6-72097139-C-T. GRCh37 (hg19) VCF-style: chr6-72806842-C-T.
Other names: c.433C>T, p.Arg145Cys (NM_001350411.1); c.355C>T, p.Arg119Cys (NM_001350412.1); c.436C>T, p.Arg146Cys (NM_001350413.1); short protein forms R119C, R145C, R146C.
Identifiers: ClinVar variation 939356 (VCV000939356.9), dbSNP rs1244940591, ClinGen allele CA364822867.
Genomic context (GRCh38, chr6:72,097,139, plus strand): 5'-GATGGGTGCGGTCATCTCTGCTCCTATTGTCGCACTAAGTTCTGTGCGCGCTGCGGAGGC[C>T]GCGTGTCTCTACGGTCAAACAACGTGAGTATTCCATGAACATAAGGGGCGTTGTGAATGT-3'
Protein context (NP_055804.2, residues 136-156): RTKFCARCGG[Arg146Cys]VSLRSNNEDK

ClinVar aggregate classification (germline): Uncertain significance (1 of 4 stars; one submission).

Allele frequency attached by ClinVar (database versions not stated): gnomAD exomes below 0.00001 and 0.00001; gnomAD 0.00001 and 0.00002; TOPMed 0.00002.
gnomAD v4.1: 14 of 1,613,726 alleles (0.00087%); highest among the groups gnomAD compares: Non-Finnish European, 0.0012%; no homozygotes.

Submission:

Labcorp Genetics (formerly Invitae), Labcorp
Classification: Uncertain significance. Last evaluated: 2022-11-19. Review status: criteria provided, single submitter. Criteria: Invitae Variant Classification Sherloc (09022015). Collection method: clinical testing. Allele origin: germline.
Comment: In summary, the available evidence is currently insufficient to determine the role of this variant in disease. Therefore, it has been classified as a Variant of Uncertain Significance. Algorithms developed to predict the effect of missense changes on protein structure and function are either unavailable or do not agree on the potential impact of this missense change (SIFT: "Deleterious"; PolyPhen-2: "Probably Damaging"; Align-GVGD: "Class C0"). ClinVar contains an entry for this variant (Variation ID: 939356). This variant has not been reported in the literature in individuals affected with RIMS1-related conditions. This variant is present in population databases (no rsID available, gnomAD 0.002%). This sequence change replaces arginine, which is basic and polar, with cysteine, which is neutral and slightly polar, at codon 146 of the RIMS1 protein (p.Arg146Cys).